The following is an entry in ClinVar:

ClinVar aggregate classification (germline): Benign. Review status: criteria provided, multiple submitters, no conflicts (2 of 4 stars). 4 submissions from 4 submitters: Benign (3). 1 of the submissions does not count toward it. Last evaluated 2024-12-01.

Conditions:
Meniere disease. Also called: Ménière's disease. Identifiers: MedGen C0025281, MONDO:0007972, OMIM 156000.

Allele frequency attached by ClinVar (database versions not stated): gnomAD 0.00049 and 0.00052; TOPMed 0.00059; ESP Exome Variant Server 0.00108.
gnomAD v4.1: 749 of 1,613,928 alleles (0.046%); highest among the groups gnomAD compares: Non-Finnish European, 0.014%; 7 homozygotes.

Submissions (4):

CeGaT Center for Human Genetics Tuebingen
Classification: Benign. Last evaluated: 2024-12-01. Review status: criteria provided, single submitter. Criteria: CeGaT Center For Human Genetics Tuebingen Variant Classification Criteria Version 2. Collection method: clinical testing. Allele origin: germline. Affected: yes. Observed: 3 variant alleles.
Comment: TNC: BP4, BS1, BS2

GeneDx
Classification: Benign. Last evaluated: 2019-03-26. Review status: criteria provided, single submitter. Criteria: GeneDx Variant Classification Process June 2021. Collection method: clinical testing. Allele origin: germline. Affected: yes.

Breakthrough Genomics
Classification: Benign. Review status: criteria provided, single submitter. Criteria: ACMG Guidelines, 2015. Collection method: not provided. Allele origin: germline. Inheritance: Autosomal dominant inheritance. Affected: yes.

Center for Computational Biology & Bioinformatics, University of California, San Diego
Classification: Uncertain significance for Meniere disease. Last evaluated: 2024-06-03. Review status: no assertion criteria provided. Collection method: research. Allele origin: germline. Affected: yes. Not counted in ClinVar's aggregate classification.

NM_002160.4(TNC):c.1297G>A (p.Asp433Asn)

Gene: TNC (tenascin C; minus strand). Cytogenetic location: 9q33.1.
Variant type: single nucleotide variant.
Coding change: c.1297G>A on transcript NM_002160.4 (MANE Select); coding-DNA position 1297, G replaced by A.
Protein change: p.Asp433Asn; replaces aspartic acid 433 with asparagine.
Molecular consequence: missense variant.
Genome position (GRCh38, 1-based): chr9:115,086,434, C>T on the plus strand (G>A on the coding strand, the complement: TNC is on the minus strand). VCF-style: chr9-115086434-C-T. GRCh37 (hg19) VCF-style: chr9-117848713-C-T.
Other names: short protein forms D433N.
Identifiers: ClinVar variation 1273767 (VCV001273767.25), dbSNP rs147990968, ClinGen allele CA5208848.